The following is an entry in ClinVar:

ClinVar aggregate classification (germline): Uncertain significance (0 of 4 stars; one submission).

Conditions:
ABCG5-related disorder. Also called: ABCG5-related condition.

Allele frequency attached by ClinVar (database versions not stated): gnomAD exomes below 0.00001; TOPMed 0.00002; gnomAD 0.00001.
gnomAD v4.1: 5 of 1,614,084 alleles (0.00031%); highest among the groups gnomAD compares: Middle Eastern, 0.016%; no homozygotes.

Submission:

PreventionGenetics, part of Exact Sciences
Classification: Uncertain significance for ABCG5-related condition. Last evaluated: 2024-02-16. Review status: no assertion criteria provided. Collection method: clinical testing. Allele origin: germline.
Comment: The ABCG5 c.1060G>C variant is predicted to result in the amino acid substitution p.Val354Leu. To our knowledge, this variant has not been reported in the literature or in gnomAD, indicating this variant is rare. At this time, the clinical significance of this variant is uncertain due to the absence of conclusive functional and genetic evidence.

NM_022436.3(ABCG5):c.1060G>C (p.Val354Leu)

Genes: ABCG5 (ATP binding cassette subfamily G member 5; minus strand), DYNC2LI1 (dynein cytoplasmic 2 light intermediate chain 1; plus strand). Cytogenetic location: 2p21.
Variant type: single nucleotide variant.
Coding change: c.1060G>C on transcript NM_022436.3 (MANE Select); coding-DNA position 1060, G replaced by C.
Protein change: p.Val354Leu; replaces valine 354 with leucine.
Molecular consequence: missense variant. On other transcripts: intron variant (2).
Genome position (GRCh38, 1-based): chr2:43,824,277, C>G on the plus strand (G>C on the coding strand, the complement: ABCG5 is on the minus strand). VCF-style: chr2-43824277-C-G. GRCh37 (hg19) VCF-style: chr2-44051416-C-G.
Other names: c.*16-3109C>G (NM_001348913.2, NM_001348912.2); short protein forms V354L.
Identifiers: ClinVar variation 3061143 (VCV003061143.2), dbSNP rs866292096, ClinGen allele CA46462742.